The following is an entry in ClinVar:

GRCh37/hg19 4p16.3-16.2(chr4:80000-5520000)x1

Genes: TMEM129 (transmembrane protein 129, E3 ubiquitin ligase; minus strand), TMEM175 (transmembrane protein 175; plus strand), TNIP2 (TNFAIP3 interacting protein 2; minus strand), ZNF718 (zinc finger protein 718; plus strand), ZNF732 (zinc finger protein 732; minus strand) and 58 more. Cytogenetic location: 4p16.3-16.2.
Variant type: copy number loss.
Change: copy number 1 (one copy instead of two) of chr4:80,000-5,520,000 (5.44 Mb, GRCh37 coordinates, 1-based), cytogenetic band 4p16.3-16.2.
Identifiers: ClinVar variation 3770227 (VCV003770227.1).

ClinVar aggregate classification (germline): Pathogenic (1 of 4 stars; one submission).

Submission:

Department of Neurology, Zibo Changguo Hospital
Classification: Pathogenic. Last evaluated: 2025-01-11. Review status: criteria provided, single submitter. Criteria: ACMG/ClinGen CNV Guidelines, 2019. Collection method: clinical testing. Allele origin: unknown.
Comment: The pathogenic mechanism of this deleted region has been conclusively established in the ClinGen database as being associated with haploinsufficiency. The Database of Genomic Variants (DGV) does not provide coverage for this specific region. This deletion encompasses the critical region linked to Wolf-Hirschhorn Syndrome [OMIM:194190]. Multiple cases with overlapping deletions in this region have been documented in the DECIPHER database, with reported patients exhibiting primary clinical manifestations including microcephaly, epileptic seizures, intellectual disability, global developmental delay, short stature, cleft palate, and speech impairment (Patient IDs: 314608, 298151, 331744, 421080, 408231, 285503, 290287, 341526). For these reasons, this variant has been classified as Pathogenic.